The following is an entry in ClinVar:

NM_181303.2(NLGN3):c.85C>T (p.Leu29Phe)

Gene: NLGN3 (neuroligin 3; plus strand). Cytogenetic location: Xq13.1.
Variant type: single nucleotide variant.
Coding change: c.85C>T on transcript NM_181303.2 (MANE Select); coding-DNA position 85, C replaced by T.
Protein change: p.Leu29Phe; replaces leucine 29 with phenylalanine.
Molecular consequence: missense variant. On other transcripts: intron variant (4).
Genome position (GRCh38, 1-based): chrX:71,147,834, C>T. VCF-style: chrX-71147834-C-T. GRCh37 (hg19) VCF-style: chrX-70367684-C-T.
Other names: c.85C>T, p.Leu29Phe (NM_001166660.2, NM_018977.4); c.-39+207C>T (NM_001438296.1, NM_001438298.1); c.-38-229C>T (NM_001437941.1, NM_001321276.2); short protein forms L29F.
Identifiers: ClinVar variation 5040507 (VCV005040507.1).

ClinVar aggregate classification (germline): Likely benign (1 of 4 stars; one submission).

Submission:

CeGaT Center for Human Genetics Tuebingen
Classification: Likely benign. Last evaluated: 2026-08-01. Review status: criteria provided, single submitter. Criteria: CeGaT Center For Human Genetics Tuebingen Variant Classification Criteria Version 2. Collection method: clinical testing. Allele origin: germline. Affected: yes. Observed: 1 variant allele.
Comment: NLGN3: BP4, BS2